The following is an entry in ClinVar:

NM_004004.6(GJB2):c.134G>A (p.Gly45Glu)

Gene: GJB2 (gap junction protein beta 2; minus strand). Cytogenetic location: 13q12.11.
Variant type: single nucleotide variant.
Coding change: c.134G>A on transcript NM_004004.6 (MANE Select); coding-DNA position 134, G replaced by A.
Protein change: p.Gly45Glu; replaces glycine 45 with glutamic acid.
Molecular consequence: missense variant.
Genome position (GRCh38, 1-based): chr13:20,189,448, C>T on the plus strand (G>A on the coding strand, the complement: GJB2 is on the minus strand). VCF-style: chr13-20189448-C-T. GRCh37 (hg19) VCF-style: chr13-20763587-C-T.
Other names: short protein forms G45E.
Identifiers: ClinVar variation 17033 (VCV000017033.17), dbSNP rs72561723, ClinGen allele CA127033.
Genomic context (GRCh38, chr13:20,189,448, plus strand): 5'-TAGCACACGTTCTTGCAGCCTGGCTGCAGGGTGTTGCAGACAAAGTCGGCCTGCTCATCT[C>T]CCCACACCTCCTTTGCAGCCACAACGAGGATCATAATGCGAAAAATGAAGAGGACGGTGA-3'
Protein context (NP_003995.2, residues 35-55): ILVVAAKEVW[Gly45Glu]DEQADFVCNT

ClinVar aggregate classification (germline): Pathogenic. Review status: criteria provided, multiple submitters, no conflicts (2 of 4 stars). 9 submissions from 9 submitters: Pathogenic (7). 2 of the submissions do not count toward it. Last evaluated 2025-10-20.

Conditions:
Autosomal recessive nonsyndromic hearing loss 1A (DFNB1A). Also called: Deafness, autosomal recessive 1A; GJB2-Related Autosomal Recessive Nonsyndromic Hearing Loss; Connexin 26 deafness; Deafness nonsyndromic, Connexin 26 linked; Nonsyndromic Hearing Loss and Deafness, DFNB1; GJB6-Related DFNB 1 Nonsyndromic Hearing Loss and Deafness. Identifiers: Orphanet 90636, MedGen C2673759, MONDO:0009076, OMIM 220290.
Palmoplantar keratoderma-deafness syndrome. Also called: Keratoderma palmoplantar, with deafness; Palmoplantar keratoderma and sensorineural deafness; Hereditary palmoplantar keratoderma with deafness (subtype); Focal palmoplantar keratoderma with sensorineural deafness (subtype); Diffuse palmoplantar keratoderma with deafness (subtype). Identifiers: Orphanet 2202, MedGen C1835672, MONDO:0007852, OMIM 148350.
Knuckle pads, deafness AND leukonychia syndrome. Also called: Bart-Pumphrey syndrome. Identifiers: Orphanet 2698, MedGen C0266004, MONDO:0007866, OMIM 149200.
Autosomal dominant keratitis-ichthyosis-hearing loss syndrome. Also called: HID SYNDROME; KID SYNDROME, AUTOSOMAL DOMINANT; Senter syndrome. Identifiers: Orphanet 477, MedGen C0265336, MONDO:0007850, OMIM 148210.
Autosomal dominant nonsyndromic hearing loss 3A. Identifiers: Orphanet 90635, MedGen C2675750, MONDO:0011103, OMIM 601544.
Ichthyosis, hystrix-like, with hearing loss. Also called: Hystrix-like ichthyosis with deafness. Identifiers: Orphanet 477, MedGen C1865234, MONDO:0011245.
Mutilating keratoderma (VOWNKL). Also called: Keratoderma hereditarium mutilans. Identifiers: Orphanet 494, MedGen C0265964, MONDO:0007422, OMIM 124500.

Allele frequency attached by ClinVar (database versions not stated): TOPMed below 0.00001; gnomAD exomes 0.00005 and 0.00001; gnomAD 0.00003.
gnomAD v4.1: 35 of 1,613,102 alleles (0.0022%); highest among the groups gnomAD compares: East Asian, 0.076%; no homozygotes.

Submissions 1 to 6 of 9:

Natera, Inc.
Classification: Pathogenic for Autosomal recessive deafness type 1A. Last evaluated: 2025-10-20. Review status: criteria provided, single submitter. Criteria: Natera Variant Classification Schema (03/2026). Collection method: clinical testing. Allele origin: germline.
Comment: The c.134G>A variant in GJB2 is a missense variant predicted to cause substitution of glycine to glutamic acid at amino acid 45. This variant is rare in the general population with a frequency below the threshold expected for the associated phenotype(s). This variant has been observed in one or more individuals affected with the associated recessive disease, as either homozygous or compound heterozygous with a second variant (PMID: 10633133, 20154630, 22364789, 33928925, 12167443). Computational prediction algorithms indicate this variant is likely to affect gene or protein function. Given the available evidence, this variant is classified as Pathogenic.

GeneDx
Classification: Pathogenic. Last evaluated: 2025-03-04. Review status: criteria provided, single submitter. Criteria: GeneDx Variant Classification Process June 2021. Collection method: clinical testing. Allele origin: germline. Affected: yes.
Comment: Published functional studies demonstrate a dominant negative effect on hemichannel function, resulting in increased cell death (PMID: 17428836, 22031297); Published functional studies demonstrate that the dominant negative effect of p.(G45E) on gap junction formation is neutralized by the presence of p.(Y136*) on the same allele (in cis), and that the complex allele results instead in a loss of protein function (PMID: 27761313); In silico analysis supports that this missense variant has a deleterious effect on protein structure/function; This variant is associated with the following publications: (PMID: 24359977, 27087580, 33780732, 16950989, 21292415, 20584891, 30287322, 12560944, 23756814, 19043807, 26763877, 25388846, 31160754, 10633133, 31331740, 17146396, 17428836, 22031297, 10501520, 15633193, 38069086, 36048236, 24785414, 16885744, 18024254, 20412116, 36736132, 34916582, 27761313)

Revvity Omics, Revvity
Classification: Pathogenic. Last evaluated: 2024-11-27. Review status: criteria provided, single submitter. Criteria: ACMG Guidelines, 2015. Collection method: clinical testing. Allele origin: germline.

Labcorp Genetics (formerly Invitae), Labcorp
Classification: Pathogenic. Last evaluated: 2024-06-29. Review status: criteria provided, single submitter. Criteria: Invitae Variant Classification Sherloc (09022015). Collection method: clinical testing. Allele origin: germline.
Comment: This sequence change replaces glycine, which is neutral and non-polar, with glutamic acid, which is acidic and polar, at codon 45 of the GJB2 protein (p.Gly45Glu). This variant is present in population databases (rs72561723, gnomAD 0.003%). This variant has been observed in individual(s) with autosomal dominant keratitis-ichthyosis-deafness syndrome, in the absence of p.Tyr136* (PMID: 15633193, 16885744, 18024254, 24785414). In at least one individual the variant was observed to be de novo. Therefore, when present alone (i.e. without a loss of function variant in cis that causes nonsense-mediated decay of the transcript), this variant is expected to be causative for autosomal dominant keratitis-ichthyosis-deafness syndrome. This variant has also been reported in combination with p.Tyr136* in individuals with autosomal recessive non-syndromic deafness (PMID: 10501520, 26763877); the p.[Tyr136*;Gly45Gly] haplotype is expected to be causative for autosomal recessive non-syndromic deafness. ClinVar contains an entry for this variant (Variation ID: 17033). Advanced modeling of protein sequence and biophysical properties (such as structural, functional, and spatial information, amino acid conservation, physicochemical variation, residue mobility, and thermodynamic stability) performed at Invitae indicates that this missense variant is expected to disrupt GJB2 protein function with a positive predictive value of 95%. Experimental studies have shown that this missense change affects GJB2 function (PMID: 17428836, 22031297, 24785414, 27761313). For these reasons, this variant has been classified as Pathogenic.

Fulgent Genetics
Classification: Pathogenic for Mutilating keratoderma; Autosomal dominant keratitis-ichthyosis-hearing loss syndrome; Palmoplantar keratoderma-deafness syndrome; Knuckle pads, deafness AND leukonychia syndrome; Autosomal recessive nonsyndromic hearing loss 1A; Autosomal dominant nonsyndromic hearing loss 3A. Last evaluated: 2024-04-20. Review status: criteria provided, single submitter. Criteria: ACMG Guidelines, 2015. Collection method: clinical testing. Allele origin: germline.

Victorian Clinical Genetics Services, Murdoch Childrens Research Institute
Classification: Pathogenic for Autosomal dominant keratitis-ichthyosis-hearing loss syndrome. Last evaluated: 2023-12-21. Review status: criteria provided, single submitter. Criteria: ACMG Guidelines, 2015. Collection method: clinical testing. Allele origin: germline. Inheritance: Autosomal dominant inheritance. Affected: yes.
Comment: Based on the classification scheme VCGS_Germline_v1.3.4, this variant is classified as Pathogenic. Following criteria are met: 0102 - Loss of function is a known mechanism of disease in this gene and is associated with both deafness and skin conditions (OMIM). Dominant negative is also a suggested mechanism (PMID: 28428247). (I) 0108 - This gene is associated with both recessive and dominant disease. The autosomal dominant diseases are commonly associated with pathogenic missense variants. The autosomal recessive disease is associated with bi-allelic loss-of-function variants and includes missense and protein truncating variants (NIH Genetics Home Reference, PMID: 12792423). (I) 0200 - Variant is predicted to result in a missense amino acid change from glycine to glutamic acid. (I) 0254 - This variant is confirmed mosaic. (I) 0304 - Variant is present in gnomAD v3 <0.01 (4 heterozygotes, 0 homozygotes). (SP) 0309 - An alternative amino acid change at the same position has been observed in gnomAD (v2) (1 heterozygote, 0 homozygote). (I) 0501 - Missense variant consistently predicted to be damaging by multiple in silico tools or highly conserved with a major amino acid change. (SP) 0600 - Variant is located in the annotated connexin domain (DECIPHER). (I) 0801 - This variant has been inherited as well as detected germline mosaic in individuals with autosomal dominant keratitis-ichthyosis-deafness syndrome in the absence of p.(Tyr136*). This variant and nonsense variant p.(Tyr136*) in cis are reported to be associated with autosomal recessive deafness. Additionally this variant has been identified somatic mosaic in individuals with porokeratotic eccrine ostial and dermal duct nevus (PEODDN) and nevoid spiny hyperkeratosis (ClinVar, Deafness Variation db, PMID:25692760, PMID:32120898, PMID:27087580, PMID:24785414, PMID:20412116). (SP) 1002 - This variant has moderate functional evidence supporting abnormal protein function. Mutagenesis studies showed cells co-transfected with this variant and wild type, failed to form gap junctions, demonstrated aberrant gating activity, and resulted in cell death (PMID:27761313, PMID:24785414). Additionally, mutagenesis studies showed this variant, when in cis with the nonsense p.(Tyr136*) variant, frequently seen in the Japanese population, cancels the dominant lethal effects of p.(Gly45Glu), causing autosomal recessive non-syndromic deafness (PMID:32120898, PMID 24785414, PMID: 27761313). (SP) 1208 - Inheritance information for this variant is not currently available in this individual. (I) Legend: (SP) - Supporting pathogenic, (I) - Information, (SB) - Supporting benign